The following is an entry in ClinVar:

ClinVar aggregate classification (germline): Pathogenic (1 of 4 stars; one submission).

Conditions:
Hereditary breast ovarian cancer syndrome. Also called: Hereditary breast and ovarian cancer syndrome (HBOC); Hereditary breast and/or ovarian cancer syndrome; Hereditary breast and ovarian cancer syndrome; Breast and ovarian cancer; BRCA1- and BRCA2-Associated Hereditary Breast and Ovarian Cancer; Hereditary breast and ovarian cancer. Identifiers: Orphanet 145, MedGen C0677776, MeSH D061325, MONDO:0003582. Disease mechanism: loss of function.

Submission:

Labcorp Genetics (formerly Invitae), Labcorp
Classification: Pathogenic for Hereditary breast and ovarian cancer syndrome. Last evaluated: 2019-09-24. Review status: criteria provided, single submitter. Criteria: Invitae Variant Classification Sherloc (09022015). Collection method: clinical testing. Allele origin: germline.
Comment: This sequence change inserts a large fragment of DNA, likely a transposable element, in exon 11 of the BRCA2 gene (c.3082_3083insAlu), causing a frameshift at codon 1028 (p.Lys1028fs). The exact size and sequence of the insertion cannot be determined by the current assay. However, the insertion is expected to result in an absent or disrupted protein product. Retrotransposon insertions including LINE1 (L1), Alu, and SVA (SINE-VNTR-Alu) have been reported to be disease-causing through disruption of either a coding region or splice site (PMID: 19763152, 20307669, 22406018) and loss-of-function variants in BRCA2 are known to be pathogenic (PMID: 20104584). For these reasons, this variant has been classified as Pathogenic.

Literature cited by the submitters: PubMed 19763152; PubMed 20104584; PubMed 20307669; PubMed 22406018.

NM_000059.3:c.3082_3083insAlu

Gene: BRCA2 (BRCA2 DNA repair associated; plus strand). Cytogenetic location: 13q13.1.
Variant type: Insertion.
Identifiers: ClinVar variation 870281 (VCV000870281.1).